The following is an entry in ClinVar:

NM_013275.6(ANKRD11):c.2819del (p.Lys940fs)

Gene: ANKRD11 (ankyrin repeat domain 11; minus strand). Cytogenetic location: 16q24.3.
Variant type: Deletion.
Coding change: c.2819del on transcript NM_013275.6 (MANE Select); coding-DNA position 2819, one base deleted (A; older notation c.2819delA).
Protein change: p.Lys940fs; shifts the reading frame from lysine 940.
Molecular consequence: frameshift variant.
Genome position (GRCh38, 1-based): chr16:89,283,723, T deleted on the plus strand (A on the coding strand, the reverse complement: ANKRD11 is on the minus strand); the first of 2 consecutive T bases (chr16:89,283,723-89,283,724); deleting either gives the same sequence. VCF-style (leftmost placement, unchanged base first): chr16-89283722-CT-C. GRCh37 (hg19) VCF-style: chr16-89350130-CT-C.
Other names: NP_037407.4:p.(Lys940ArgfsTer37); c.2819del, p.Lys940fs (NM_001256182.2, NM_001256183.2); short protein forms K940fs.
Identifiers: ClinVar variation 4876220 (VCV004876220.1).
Genomic context (GRCh38, chr16:89,283,722, plus strand): 5'-CTCCTTGCAGCTCTCCAGGGCGTCCTTTCTGTCCCGCCCGGCCTCTGCGGACTCTCTCCT[CT>C]TCTTGTCCTTTTCCGAAAGGTAGCCAGGGACACTTTTATGCTTTTCGGTCTGCTCTTTCC-3'

ClinVar aggregate classification (germline): Likely pathogenic (1 of 4 stars; one submission).

Conditions:
KBG syndrome (KBGS). Also called: ANKRD11-Related KBG Syndrome. Identifiers: Orphanet 2332, MedGen C0220687, MONDO:0007846, OMIM 148050.

Submission:

Umrani?ye Training and Research Hospital
Classification: Likely pathogenic for KBG syndrome. Last evaluated: 2026-06-29. Review status: criteria provided, single submitter. Criteria: ACMG Guidelines, 2015. Collection method: clinical testing. Allele origin: germline. Inheritance: Autosomal dominant inheritance. Affected: yes.
Comment: PVS1, PM2

Literature cited by the submitters: PubMed 42808190.